The following is an entry in ClinVar:

ClinVar aggregate classification (germline): Uncertain significance (1 of 4 stars; one submission).

Conditions:
Inborn genetic diseases. Identifiers: MedGen C0950123, MeSH D030342.

Submission:

Ambry Genetics
Classification: Uncertain significance for Inborn genetic diseases. Last evaluated: 2024-09-26. Review status: criteria provided, single submitter. Criteria: Ambry Variant Classification Scheme 2023. Collection method: clinical testing. Allele origin: germline.
Comment: The p.S1205N variant (also known as c.3614G>A), located in coding exon 27 of the LRRK2 gene, results from a G to A substitution at nucleotide position 3614. The serine at codon 1205 is replaced by asparagine, an amino acid with highly similar properties. This amino acid position is conserved. In addition, this alteration is predicted to be tolerated by in silico analysis. Since supporting evidence is limited at this time, the clinical significance of this alteration remains unclear.

NM_198578.4(LRRK2):c.3614G>A (p.Ser1205Asn)

Gene: LRRK2 (leucine rich repeat kinase 2; plus strand). Cytogenetic location: 12q12.
Variant type: single nucleotide variant.
Coding change: c.3614G>A on transcript NM_198578.4 (MANE Select); coding-DNA position 3614, G replaced by A.
Protein change: p.Ser1205Asn; replaces serine 1205 with asparagine.
Molecular consequence: missense variant.
Genome position (GRCh38, 1-based): chr12:40,303,971, G>A. VCF-style: chr12-40303971-G-A. GRCh37 (hg19) VCF-style: chr12-40697773-G-A.
Other names: short protein forms S1205N.
Identifiers: ClinVar variation 1733263 (VCV001733263.3), dbSNP rs1944717421, ClinGen allele CA384416567.
Genomic context (GRCh38, chr12:40,303,971, plus strand): 5'-CTCATTTGGTTTATGTCTTTTCTGTGTATTGTTTTAGCTTGCGGTCTTTAGATATGAGCA[G>A]CAATGATATTCAGTACCTACCAGGTCCCGCACACTGGAAATCTTTGAACTTAAGGGAACT-3'
Protein context (NP_940980.4, residues 1195-1215): LPHLRSLDMS[Ser1205Asn]NDIQYLPGPA